The following is an entry in ClinVar:

NM_001457.4(FLNB):c.2245G>A (p.Gly749Arg)

Gene: FLNB (filamin B; plus strand). Cytogenetic location: 3p14.3.
Variant type: single nucleotide variant.
Coding change: c.2245G>A on transcript NM_001457.4 (MANE Select); coding-DNA position 2245, G replaced by A.
Protein change: p.Gly749Arg; replaces glycine 749 with arginine.
Molecular consequence: missense variant.
Genome position (GRCh38, 1-based): chr3:58,109,621, G>A. VCF-style: chr3-58109621-G-A. GRCh37 (hg19) VCF-style: chr3-58095348-G-A.
Other names: c.2245G>A, p.Gly749Arg (NM_001164317.2, NM_001164318.2, NM_001164319.2); short protein forms G749R.
Identifiers: ClinVar variation 1044059 (VCV001044059.6), dbSNP rs2097265129, ClinGen allele CA353343366.
Genomic context (GRCh38, chr3:58,109,621, plus strand): 5'-CCATGTCTTCTCTAGGTCAACATCGGGCAAGGTAGCCATCCTCAGAAGGTCAAAGTGTTT[G>A]GGCCAGGTGTGGAGAGAAGTGGTCTGAAGGCAAATGAACCTACACACTTCACGGTGGACT-3'
Protein context (NP_001448.2, residues 739-759): GSHPQKVKVF[Gly749Arg]PGVERSGLKA

ClinVar aggregate classification (germline): Conflicting classifications of pathogenicity. Review status: criteria provided, conflicting classifications (1 of 4 stars). 2 submissions from 2 submitters: Likely pathogenic (1); Uncertain significance (1). Last evaluated 2024-03-03.

Conditions:
FLNB-related disorder. Also called: FLNB-related disorders; FLNB-related condition. Identifiers: MedGen CN381095.

Submissions (2):

Labcorp Genetics (formerly Invitae), Labcorp
Classification: Uncertain significance. Last evaluated: 2024-03-03. Review status: criteria provided, single submitter. Criteria: Invitae Variant Classification Sherloc (09022015). Collection method: clinical testing. Allele origin: germline.
Comment: This sequence change replaces glycine, which is neutral and non-polar, with arginine, which is basic and polar, at codon 749 of the FLNB protein (p.Gly749Arg). This variant is not present in population databases (gnomAD no frequency). This variant has not been reported in the literature in individuals affected with FLNB-related conditions. ClinVar contains an entry for this variant (Variation ID: 1044059). Advanced modeling of protein sequence and biophysical properties (such as structural, functional, and spatial information, amino acid conservation, physicochemical variation, residue mobility, and thermodynamic stability) has been performed at Invitae for this missense variant, however the output from this modeling did not meet the statistical confidence thresholds required to predict the impact of this variant on FLNB protein function. In summary, the available evidence is currently insufficient to determine the role of this variant in disease. Therefore, it has been classified as a Variant of Uncertain Significance.

Blueprint Genetics
Classification: Likely pathogenic for FLNB-related disorders. Last evaluated: 2023-07-05. Review status: criteria provided, single submitter. Criteria: ACMG Guidelines, 2015. Collection method: clinical testing. Allele origin: germline. Affected: yes. Observed: 2 variant alleles.